The following is an entry in ClinVar:

NM_054012.4(ASS1):c.1087C>T (p.Arg363Trp)

Gene: ASS1 (argininosuccinate synthase 1; plus strand). Cytogenetic location: 9q34.11.
Variant type: single nucleotide variant.
Coding change: c.1087C>T on transcript NM_054012.4 (MANE Select); coding-DNA position 1087, C replaced by T.
Protein change: p.Arg363Trp; replaces arginine 363 with tryptophan.
Molecular consequence: missense variant.
Genome position (GRCh38, 1-based): chr9:130,494,983, C>T. VCF-style: chr9-130494983-C-T. GRCh37 (hg19) VCF-style: chr9-133370370-C-T.
Other names: p.R363W:CGG>TGG; c.1087C>T, p.Arg363Trp (NM_000050.4); short protein forms R363W.
Identifiers: ClinVar variation 6328 (VCV000006328.63), dbSNP rs121908640, ClinGen allele CA253833.

ClinVar aggregate classification (germline): Pathogenic/Likely pathogenic. Review status: criteria provided, multiple submitters, no conflicts (2 of 4 stars). 18 submissions from 18 submitters: Pathogenic (16); Likely pathogenic (1). 1 of the submissions does not count toward it. Last evaluated 2026-08-03.

Conditions:
Citrullinemia. Identifiers: Orphanet 187, MedGen C0175683, MONDO:0015991.
ASS1-related disorder. Also called: ASS1-related condition.
Citrullinemia type I (CTNL1). Also called: argininosuccinate synthetase deficiency; ASS DEFICIENCY. Identifiers: Orphanet 247525, MedGen C4721769, MONDO:0008988, OMIM 215700.

Allele frequency attached by ClinVar (database versions not stated): gnomAD exomes 0.00003; gnomAD 0.00004; TOPMed 0.00006.
gnomAD v4.1: 55 of 1,613,130 alleles (0.0034%); highest among the groups gnomAD compares: Non-Finnish European, 0.0044%; no homozygotes.

Submissions 1 to 12 of 18:

PreventionGenetics, part of Exact Sciences
Classification: Pathogenic for ASS1-related condition. Last evaluated: 2026-08-03. Review status: criteria provided, single submitter. Criteria: ACMG Guidelines, 2015. Collection method: clinical testing. Allele origin: germline.
Comment: The ASS1 c.1087C>T variant is predicted to result in the amino acid substitution p.Arg363Trp. This variant has been reported to be causative for citrullinemia type I (Kobayashi et al. 1990. PubMed ID: 2358466; Gao et al. 2003. PubMed ID: 12815590). This variant has been observed in both the homozygous and compound heterozygous states in patients with a neonatal onset form of the disease (Diez-Fernandez et al. 2017. PubMed ID: 28111830, see number 83 in Table S1). This variant has also been reported in asymptomatic carrier individuals with elevated blood citrulline (Chen et al. 2022. PubMed ID: 35726796). The p.Arg363 residue is thought to play an important role in ASS1 tetramer formation, and several other variants affecting the same codon (p.Arg363Gly, p.Arg363Leu and p.Arg363Gln) have also been reported to be causative for citrullinemia type I (Table S1, Diez-Fernandez et al. 2017. PubMed ID: 28111830). This variant is reported in 0.0062% of alleles in individuals of African descent in gnomAD. This variant is interpreted as pathogenic.

Labcorp Genetics (formerly Invitae), Labcorp
Classification: Pathogenic for Citrullinemia. Last evaluated: 2026-01-27. Review status: criteria provided, single submitter. Criteria: Invitae Variant Classification Sherloc (09022015). Collection method: clinical testing. Allele origin: germline.
Comment: This sequence change replaces arginine, which is basic and polar, with tryptophan, which is neutral and slightly polar, at codon 363 of the ASS1 protein (p.Arg363Trp). This variant is present in population databases (rs121908640, gnomAD 0.007%). This missense change has been observed in individual(s) with citrullinemia type 1 (PMID: 2358466, 12815590, 14680976, 16124451, 25537548, 26117549, 28111830). In at least one individual the data is consistent with being in trans (on the opposite chromosome) from a pathogenic variant. ClinVar contains an entry for this variant (Variation ID: 6328). Invitae Evidence Modeling of protein sequence and biophysical properties (such as structural, functional, and spatial information, amino acid conservation, physicochemical variation, residue mobility, and thermodynamic stability) indicates that this missense variant is expected to disrupt ASS1 protein function with a positive predictive value of 80%. Experimental studies have shown that this missense change affects ASS1 function (PMID: 8792870). For these reasons, this variant has been classified as Pathogenic.

Natera, Inc.
Classification: Pathogenic for Citrullinemia type I. Last evaluated: 2025-11-13. Review status: criteria provided, single submitter. Criteria: Natera Variant Classification Schema (03/2026). Collection method: clinical testing. Allele origin: germline.
Comment: The c.1087C>T variant in ASS1 is a missense variant predicted to cause substitution of arginine to tryptophan at amino acid 363. This variant is rare in the general population with a frequency below the threshold expected for the associated phenotype(s). This variant has been observed in one or more individuals affected with the associated recessive disease, as either homozygous or compound heterozygous with a second variant (PMID: 16124451, 2358466). Given the available evidence, this variant is classified as Pathogenic.

Immunogenetics and Transplant Biology Service, University Hospital "Città della Salute e della Scienza di Torino"
Classification: Pathogenic for Citrullinemia type I. Last evaluated: 2025-06-28. Review status: criteria provided, single submitter. Criteria: ACMG Guidelines, 2015. Collection method: clinical testing. Allele origin: germline. Affected: yes.

GeneDx
Classification: Pathogenic. Last evaluated: 2025-01-10. Review status: criteria provided, single submitter. Criteria: GeneDx Variant Classification Process June 2021. Collection method: clinical testing. Allele origin: germline. Affected: yes.
Comment: Published functional studies demonstrate reduced enzyme activity (PMID: 31469252); In silico analysis supports that this missense variant has a deleterious effect on protein structure/function; Not observed at significant frequency in large population cohorts (gnomAD); This variant is associated with the following publications: (PMID: 31208364, 14680976, 21227727, 26117549, 16124451, 28750687, 28111830, 28132756, 2358466, 25537548, 8792870, 32778825, 12815590, 31469252, 37485339, 37308883, 6819208, 35095998, 35726796)

CeGaT Center for Human Genetics Tuebingen
Classification: Pathogenic. Last evaluated: 2025-01-01. Review status: criteria provided, single submitter. Criteria: CeGaT Center For Human Genetics Tuebingen Variant Classification Criteria Version 2. Collection method: clinical testing. Allele origin: germline. Affected: yes. Observed: 1 variant allele.
Comment: ASS1: PM3:Very Strong, PM2, PM5, PP4:Moderate, PP3, PS3:Supporting

Genomic Medicine Center of Excellence, King Faisal Specialist Hospital and Research Centre
Classification: Pathogenic for Citrullinemia type I. Last evaluated: 2024-09-22. Review status: criteria provided, single submitter. Criteria: ACMG Guidelines, 2015. Collection method: clinical testing. Allele origin: germline.

Blueprint Genetics
Classification: Pathogenic for ASS1-related disorders. Last evaluated: 2024-06-10. Review status: criteria provided, single submitter. Criteria: ACMG Guidelines, 2015. Collection method: clinical testing. Allele origin: germline. Affected: yes. Observed: 5 variant alleles.

Revvity Omics, Revvity
Classification: Pathogenic for Citrullinemia type I. Last evaluated: 2022-09-26. Review status: criteria provided, single submitter. Criteria: ACMG Guidelines, 2015. Collection method: clinical testing. Allele origin: germline.

Department of Pathology and Laboratory Medicine, Sinai Health System
Classification: Pathogenic for citrullinemia type I. Last evaluated: 2022-07-06. Review status: criteria provided, single submitter. Criteria: ACMG Guidelines, 2015. Collection method: research. Allele origin: germline.

Women's Health and Genetics/Laboratory Corporation of America, LabCorp
Classification: Pathogenic for Citrullinemia. Last evaluated: 2021-12-30. Review status: criteria provided, single submitter. Criteria: LabCorp Variant Classification Summary - May 2015. Collection method: clinical testing. Allele origin: germline.
Comment: Variant summary: ASS1 c.1087C>T (p.Arg363Trp) results in a non-conservative amino acid change in the encoded protein sequence. Four of five in-silico tools predict a damaging effect of the variant on protein function. The variant allele was found at a frequency of 3.2e-05 in 250206 control chromosomes (gnomAD). c.1087C>T has been reported in the literature in multiple homozygous and compound heterozygous individuals affected with Citrullinemia Type I (e.g. Haberle_2003, Wasant_2005, Zielonka_2019). These data indicate that the variant is very likely to be associated with disease. At least one publication reported experimental evidence evaluating an impact on protein function, and demonstrated severely diminished activity compared to the wild type (Zielonka_2019). Six clinical diagnostic laboratories have submitted clinical-significance assessments for this variant to ClinVar after 2014, and all laboratories classified the variant as pathogenic. Based on the evidence outlined above, the variant was classified as pathogenic.

Myriad Genetics, Inc.
Classification: Likely pathogenic for Citrullinemia type I. Last evaluated: 2021-11-01. Review status: criteria provided, single submitter. Criteria: Myriad Women's Health Autosomal Recessive and X-Linked Classification Criteria (2021). Collection method: clinical testing. Allele origin: unknown.
Comment: NM_000050.4(ASS1):c.1087C>T(R363W) is a missense variant classified as likely pathogenic in the context of citrullinemia type 1. R363W has been observed in cases with relevant disease (PMID: 16124451, 26117549, 2358466, 14680976, 25537548, 31056765, 30904546). Functional assessments of this variant are available in the literature (PMID: 31469252). Internal structural analysis of the variant is supportive of pathogenicity. R363W has been observed in population frequency databases (gnomAD: AFR 0.01%). In summary, NM_000050.4(ASS1):c.1087C>T(R363W) is a missense variant that has both functional and internal structural support for pathogenicity and has been observed more frequently in cases with the relevant disease than in healthy populations. Please note: this variant was assessed in the context of healthy population screening.